The following is an entry in ClinVar:

ClinVar aggregate classification (germline): Uncertain significance (1 of 4 stars; one submission).

Conditions:
Immunodeficiency 39 (IMD39). Identifiers: Orphanet 574918, MedGen C4225358, MONDO:0014597, OMIM 616345.

Allele frequency attached by ClinVar (database versions not stated): TOPMed 0.00001.
gnomAD v4.1: 21 of 1,613,084 alleles (0.0013%); highest among the groups gnomAD compares: Non-Finnish European, 0.0018%; no homozygotes.

Submission:

Labcorp Genetics (formerly Invitae), Labcorp
Classification: Uncertain significance for Immunodeficiency 39. Last evaluated: 2025-07-09. Review status: criteria provided, single submitter. Criteria: Invitae Variant Classification Sherloc (09022015). Collection method: clinical testing. Allele origin: germline.
Comment: This sequence change replaces glutamic acid, which is acidic and polar, with lysine, which is basic and polar, at codon 226 of the IRF7 protein (p.Glu226Lys). The frequency data for this variant in the population databases is considered unreliable, as metrics indicate poor data quality at this position in the gnomAD database. This variant has not been reported in the literature in individuals affected with IRF7-related conditions. ClinVar contains an entry for this variant (Variation ID: 852733). Invitae Evidence Modeling of protein sequence and biophysical properties (such as structural, functional, and spatial information, amino acid conservation, physicochemical variation, residue mobility, and thermodynamic stability) indicates that this missense variant is not expected to disrupt IRF7 protein function with a negative predictive value of 80%. In summary, the available evidence is currently insufficient to determine the role of this variant in disease. Therefore, it has been classified as a Variant of Uncertain Significance.

NM_001572.5(IRF7):c.637G>A (p.Glu213Lys)

Gene: IRF7 (interferon regulatory factor 7; minus strand). Cytogenetic location: 11p15.5.
Variant type: single nucleotide variant.
Coding change: c.637G>A on transcript NM_001572.5 (MANE Select); coding-DNA position 637, G replaced by A.
Protein change: p.Glu213Lys; replaces glutamic acid 213 with lysine.
Molecular consequence: missense variant.
Genome position (GRCh38, 1-based): chr11:614,216, C>T on the plus strand (G>A on the coding strand, the complement: IRF7 is on the minus strand). VCF-style: chr11-614216-C-T. GRCh37 (hg19) VCF-style: chr11-614216-C-T.
Other names: c.637G>A, p.Glu213Lys (NM_004029.4); c.676G>A, p.Glu226Lys (NM_004031.4); short protein forms E213K, E226K.
Identifiers: ClinVar variation 852733 (VCV000852733.9), dbSNP rs375250292, ClinGen allele CA216911911.
Genomic context (GRCh38, chr11:614,216, plus strand): 5'-CCCCGGGCACGCCCACACCTCCAGCACAGGCCCCAGTCAGGGGAAGCCCTTCTTGTCCCT[C>T]TCCAGGAGCCTTGGTTGGGACTGGATCTGCCCCCCATGACGCTGTCAGCAGATGGTCTGC-3'
Protein context (NP_001563.2, residues 203-223): ADPVPTKAPG[Glu213Lys]GQEGLPLTGA